The following is an entry in ClinVar:

NM_002643.4(PIGF):c.185T>C (p.Val62Ala)

Gene: PIGF (phosphatidylinositol glycan anchor biosynthesis class F; minus strand). Cytogenetic location: 2p21.
Variant type: single nucleotide variant.
Coding change: c.185T>C on transcript NM_002643.4 (MANE Select); coding-DNA position 185, T replaced by C.
Protein change: p.Val62Ala; replaces valine 62 with alanine.
Molecular consequence: missense variant.
Genome position (GRCh38, 1-based): chr2:46,614,980, A>G on the plus strand (T>C on the coding strand, the complement: PIGF is on the minus strand). VCF-style: chr2-46614980-A-G. GRCh37 (hg19) VCF-style: chr2-46842119-A-G.
Other names: c.185T>C, p.Val62Ala (NM_173074.3); short protein forms V62A.
Identifiers: ClinVar variation 777946 (VCV000777946.31), dbSNP rs113562214, ClinGen allele CA1646179.

ClinVar aggregate classification (germline): Benign. Review status: criteria provided, multiple submitters, no conflicts (2 of 4 stars). 3 submissions from 3 submitters: Benign (3). Last evaluated 2026-07-01.

Allele frequency attached by ClinVar (database versions not stated): 1000 Genomes Project 30x 0.00593; 1000 Genomes Project 0.00619; ExAC 0.00854; gnomAD exomes 0.00855 and 0.01133; TOPMed 0.00857; gnomAD 0.00866 and 0.00870; ESP Exome Variant Server 0.01038.
gnomAD v4.1: 17,567 of 1,599,654 alleles (1.1%); highest among the groups gnomAD compares: Non-Finnish European, 1.3%; 108 homozygotes.

Submissions (3):

CeGaT Center for Human Genetics Tuebingen
Classification: Benign. Last evaluated: 2026-07-01. Review status: criteria provided, single submitter. Criteria: CeGaT Center For Human Genetics Tuebingen Variant Classification Criteria Version 2. Collection method: clinical testing. Allele origin: germline. Affected: yes. Observed: 31 variant alleles.
Comment: PIGF: BP4, BS1, BS2

Labcorp Genetics (formerly Invitae), Labcorp
Classification: Benign. Last evaluated: 2018-10-21. Review status: criteria provided, single submitter. Criteria: Invitae Variant Classification Sherloc (09022015). Collection method: clinical testing. Allele origin: germline.

Breakthrough Genomics
Classification: Benign. Review status: criteria provided, single submitter. Criteria: ACMG Guidelines, 2015. Collection method: not provided. Allele origin: germline. Inheritance: Autosomal recessive inheritance. Affected: yes.